The following is an entry in ClinVar:

NM_017999.5(RNF31):c.317G>T (p.Arg106Leu)

Gene: RNF31 (ring finger protein 31; plus strand). Cytogenetic location: 14q12.
Variant type: single nucleotide variant.
Coding change: c.317G>T on transcript NM_017999.5 (MANE Select); coding-DNA position 317, G replaced by T.
Protein change: p.Arg106Leu; replaces arginine 106 with leucine.
Molecular consequence: missense variant. On other transcripts: 5 prime UTR variant (1).
Genome position (GRCh38, 1-based): chr14:24,148,100, G>T. VCF-style: chr14-24148100-G-T. GRCh37 (hg19) VCF-style: chr14-24617309-G-T.
Other names: c.-201G>T (NM_001310332.2); c.317G>T (NM_017999.4); short protein forms R106L.
Identifiers: ClinVar variation 1501720 (VCV001501720.10), dbSNP rs781555522, ClinGen allele CA7125414.

ClinVar aggregate classification (germline): Uncertain significance. Review status: criteria provided, multiple submitters, no conflicts (2 of 4 stars). 2 submissions from 2 submitters: Uncertain significance (2). Last evaluated 2025-11-11.

Allele frequency attached by ClinVar (database versions not stated): ExAC 0.00002; gnomAD exomes 0.00002; gnomAD 0.00005; TOPMed 0.00005.
gnomAD v4.1: 193 of 1,614,070 alleles (0.012%); highest among the groups gnomAD compares: Non-Finnish European, 0.016%; no homozygotes.

Submissions (2):

Labcorp Genetics (formerly Invitae), Labcorp
Classification: Uncertain significance. Last evaluated: 2025-11-11. Review status: criteria provided, single submitter. Criteria: Invitae Variant Classification Sherloc (09022015). Collection method: clinical testing. Allele origin: germline.
Comment: This sequence change replaces arginine, which is basic and polar, with leucine, which is neutral and non-polar, at codon 106 of the RNF31 protein (p.Arg106Leu). This variant is present in population databases (rs781555522, gnomAD 0.005%). This variant has not been reported in the literature in individuals affected with RNF31-related conditions. ClinVar contains an entry for this variant (Variation ID: 1501720). An algorithm developed to predict the effect of missense changes on protein structure and function (PolyPhen-2) suggests that this variant is likely to be disruptive. In summary, the available evidence is currently insufficient to determine the role of this variant in disease. Therefore, it has been classified as a Variant of Uncertain Significance.

Ambry Genetics
Classification: Uncertain significance. Last evaluated: 2023-01-10. Review status: criteria provided, single submitter. Criteria: Ambry Variant Classification Scheme 2023. Collection method: clinical testing. Allele origin: germline.